The following is an entry in ClinVar:

NM_000393.5(COL5A2):c.1203G>T (p.Gln401His)

Gene: COL5A2 (collagen type V alpha 2 chain; minus strand). Cytogenetic location: 2q32.2.
Variant type: single nucleotide variant.
Coding change: c.1203G>T on transcript NM_000393.5 (MANE Select); coding-DNA position 1203, G replaced by T.
Protein change: p.Gln401His; replaces glutamine 401 with histidine.
Molecular consequence: missense variant.
Genome position (GRCh38, 1-based): chr2:189,068,840, C>A on the plus strand (G>T on the coding strand, the complement: COL5A2 is on the minus strand). VCF-style: chr2-189068840-C-A. GRCh37 (hg19) VCF-style: chr2-189933566-C-A.
Other names: short protein forms Q401H.
Identifiers: ClinVar variation 4744969 (VCV004744969.1).
Genomic context (GRCh38, chr2:189,068,840, plus strand): 5'-ACTTACAGGAAGACCTGGAGAGCCAACTGGACCTGGGGGCCCAGTTTCACCTCTCTGCCC[C>A]TGAGGACCTTCAGGGCCTCGCGCCCCTGTAGGACCTGCTTCTCCCTAAAAGGGTGCAAAG-3'
Protein context (NP_000384.2, residues 391-411): PTGARGPEGP[Gln401His]GQRGETGPPG

ClinVar aggregate classification (germline): Uncertain significance (1 of 4 stars; one submission).

Conditions:
Ehlers-Danlos syndrome, classic type, 1 (EDSCL1). Also called: EHLERS-DANLOS SYNDROME, GRAVIS TYPE; EHLERS-DANLOS SYNDROME, SEVERE CLASSIC TYPE; Ehlers-Danlos syndrome, type 1; Ehlers-Danlos Syndrome, Classic Type, COL5A1-Related; EDS I. Identifiers: MedGen C0268335, MONDO:0019567, OMIM 130000.

gnomAD v4.1: 2 of 1,613,350 alleles (0.00012%); highest among the groups gnomAD compares: Non-Finnish European, 0.00017%; no homozygotes.

Submission:

Labcorp Genetics (formerly Invitae), Labcorp
Classification: Uncertain significance for Ehlers-Danlos syndrome, classic type, 1. Last evaluated: 2025-11-13. Review status: criteria provided, single submitter. Criteria: Invitae Variant Classification Sherloc (09022015). Collection method: clinical testing. Allele origin: germline.
Comment: This sequence change replaces glutamine, which is neutral and polar, with histidine, which is basic and polar, at codon 401 of the COL5A2 protein (p.Gln401His). This variant is not present in population databases (gnomAD no frequency). This variant has not been reported in the literature in individuals affected with COL5A2-related conditions. Invitae Evidence Modeling of protein sequence and biophysical properties (such as structural, functional, and spatial information, amino acid conservation, physicochemical variation, residue mobility, and thermodynamic stability) indicates that this missense variant is not expected to disrupt COL5A2 protein function with a negative predictive value of 80%. In summary, the available evidence is currently insufficient to determine the role of this variant in disease. Therefore, it has been classified as a Variant of Uncertain Significance.